The following is an entry in ClinVar:

ClinVar aggregate classification (germline): Uncertain significance. Review status: criteria provided, multiple submitters, no conflicts (2 of 4 stars). 2 submissions from 2 submitters: Uncertain significance (2). Last evaluated 2025-10-24.

Conditions:
Developmental and epileptic encephalopathy, 11 (DEE11). Also called: Early infantile epileptic encephalopathy 11. Identifiers: Orphanet 1934, MedGen C3150987, MONDO:0013388, OMIM 613721.
Seizures, benign familial infantile, 3 (BFIS3). Also called: CONVULSIONS, BENIGN FAMILIAL INFANTILE, 3; Familial neonatal seizures. Identifiers: Orphanet 140927, Orphanet 306, MedGen C1843140, MONDO:0011904, OMIM 607745.
Inborn genetic diseases. Identifiers: MedGen C0950123, MeSH D030342.

Submissions (2):

Ambry Genetics
Classification: Uncertain significance for Inborn genetic diseases. Last evaluated: 2025-10-24. Review status: criteria provided, single submitter. Criteria: Ambry Variant Classification Scheme 2023. Collection method: clinical testing. Allele origin: germline.
Comment: The c.5035A>G (p.M1679V) alteration is located in exon 27 (coding exon 26) of the SCN2A gene. This alteration results from a A to G substitution at nucleotide position 5035, causing the methionine (M) at amino acid position 1679 to be replaced by a valine (V). This variant was not reported in population-based cohorts in the Genome Aggregation Database (gnomAD). This amino acid position is highly conserved in available vertebrate species. This alteration is predicted to be deleterious by in silico analysis. Based on insufficient or conflicting evidence, the clinical significance of this alteration remains unclear.

Labcorp Genetics (formerly Invitae), Labcorp
Classification: Uncertain significance for Seizures, benign familial infantile, 3; Developmental and epileptic encephalopathy, 11. Last evaluated: 2023-10-13. Review status: criteria provided, single submitter. Criteria: Invitae Variant Classification Sherloc (09022015). Collection method: clinical testing. Allele origin: germline.
Comment: This sequence change replaces methionine, which is neutral and non-polar, with valine, which is neutral and non-polar, at codon 1679 of the SCN2A protein (p.Met1679Val). This variant is not present in population databases (gnomAD no frequency). This variant has not been reported in the literature in individuals affected with SCN2A-related conditions. ClinVar contains an entry for this variant (Variation ID: 2068040). Advanced modeling of protein sequence and biophysical properties (such as structural, functional, and spatial information, amino acid conservation, physicochemical variation, residue mobility, and thermodynamic stability) performed at Invitae indicates that this missense variant is expected to disrupt SCN2A protein function. In summary, the available evidence is currently insufficient to determine the role of this variant in disease. Therefore, it has been classified as a Variant of Uncertain Significance.

NM_001040142.2(SCN2A):c.5035A>G (p.Met1679Val)

Gene: SCN2A (sodium voltage-gated channel alpha subunit 2; plus strand). Cytogenetic location: 2q24.3.
Variant type: single nucleotide variant.
Coding change: c.5035A>G on transcript NM_001040142.2 (MANE Select); coding-DNA position 5035, A replaced by G.
Protein change: p.Met1679Val; replaces methionine 1679 with valine.
Molecular consequence: missense variant.
Genome position (GRCh38, 1-based): chr2:165,388,841, A>G. VCF-style: chr2-165388841-A-G. GRCh37 (hg19) VCF-style: chr2-166245351-A-G.
Other names: c.5035A>G, p.Met1679Val (NM_001040143.2, NM_001371246.1, NM_001371247.1 and 1 more transcripts); c.5035A>G (NM_021007.2); short protein forms M1679V.
Identifiers: ClinVar variation 2068040 (VCV002068040.6), dbSNP rs2468158093, ClinGen allele CA349038041.
Genomic context (GRCh38, chr2:165,388,841, plus strand): 5'-GCGTTGTTTAACATCGGCCTCCTTCTTTTCCTGGTCATGTTCATCTACGCCATCTTTGGG[A>G]TGTCCAATTTTGCCTATGTTAAGAGGGAAGTTGGGATCGATGACATGTTCAACTTTGAGA-3'
Protein context (NP_001035232.1, residues 1669-1689): LVMFIYAIFG[Met1679Val]SNFAYVKREV